The following is an entry in ClinVar:

NM_030665.4(RAI1):c.325C>G (p.Pro109Ala)

Gene: RAI1 (retinoic acid induced 1; plus strand). Cytogenetic location: 17p11.2.
Variant type: single nucleotide variant.
Coding change: c.325C>G on transcript NM_030665.4 (MANE Select); coding-DNA position 325, C replaced by G.
Protein change: p.Pro109Ala; replaces proline 109 with alanine.
Molecular consequence: missense variant.
Genome position (GRCh38, 1-based): chr17:17,793,273, C>G. VCF-style: chr17-17793273-C-G. GRCh37 (hg19) VCF-style: chr17-17696587-C-G.
Other names: short protein forms P109A.
Identifiers: ClinVar variation 2100499 (VCV002100499.4), dbSNP rs2508568257, ClinGen allele CA398545220.
Genomic context (GRCh38, chr17:17,793,273, plus strand): 5'-CAAGGCCTGCAGGGGAGGCCGGCTTTCCCTGGCTACGGCGTCCAGGACAGCAGCCCCTAC[C>G]CAGGCCGCTATGCTGGTGAGGAGAGCCTTCAGGCTTGGGGGGCCCCACAGCCACCACCCC-3'
Protein context (NP_109590.3, residues 99-119): GYGVQDSSPY[Pro109Ala]GRYAGEESLQ

ClinVar aggregate classification (germline): Uncertain significance (1 of 4 stars; one submission).

Submission:

Labcorp Genetics (formerly Invitae), Labcorp
Classification: Uncertain significance. Last evaluated: 2025-03-01. Review status: criteria provided, single submitter. Criteria: Invitae Variant Classification Sherloc (09022015). Collection method: clinical testing. Allele origin: germline.
Comment: This sequence change replaces proline, which is neutral and non-polar, with alanine, which is neutral and non-polar, at codon 109 of the RAI1 protein (p.Pro109Ala). This variant is not present in population databases (gnomAD no frequency). This variant has not been reported in the literature in individuals affected with RAI1-related conditions. ClinVar contains an entry for this variant (Variation ID: 2100499). Invitae Evidence Modeling of protein sequence and biophysical properties (such as structural, functional, and spatial information, amino acid conservation, physicochemical variation, residue mobility, and thermodynamic stability) has been performed for this missense variant. However, the output from this modeling did not meet the statistical confidence thresholds required to predict the impact of this variant on RAI1 protein function. In summary, the available evidence is currently insufficient to determine the role of this variant in disease. Therefore, it has been classified as a Variant of Uncertain Significance.